The following is an entry in ClinVar:

ClinVar aggregate classification (germline): Uncertain significance (1 of 4 stars; one submission).

Submission:

GeneDx
Classification: Uncertain significance. Last evaluated: 2024-10-28. Review status: criteria provided, single submitter. Criteria: GeneDx Variant Classification Process June 2021. Collection method: clinical testing. Allele origin: germline. Affected: yes.
Comment: Not observed at significant frequency in large population cohorts (gnomAD); In silico analysis supports that this missense variant has a deleterious effect on protein structure/function; Has not been previously published as pathogenic or benign to our knowledge

NM_001200.4(BMP2):c.931A>C (p.Asn311His)

Gene: BMP2 (bone morphogenetic protein 2; plus strand). Cytogenetic location: 20p12.3.
Variant type: single nucleotide variant.
Coding change: c.931A>C on transcript NM_001200.4 (MANE Select); coding-DNA position 931, A replaced by C.
Protein change: p.Asn311His; replaces asparagine 311 with histidine.
Molecular consequence: missense variant.
Genome position (GRCh38, 1-based): chr20:6,778,829, A>C. VCF-style: chr20-6778829-A-C. GRCh37 (hg19) VCF-style: chr20-6759476-A-C.
Other names: short protein forms N311H.
Identifiers: ClinVar variation 3897281 (VCV003897281.1).